The following is an entry in ClinVar:

NM_000136.3(FANCC):c.332A>G (p.Asn111Ser)

Gene: FANCC (FA complementation group C; minus strand). Cytogenetic location: 9q22.32.
Variant type: single nucleotide variant.
Coding change: c.332A>G on transcript NM_000136.3 (MANE Select); coding-DNA position 332, A replaced by G.
Protein change: p.Asn111Ser; replaces asparagine 111 with serine.
Molecular consequence: missense variant.
Genome position (GRCh38, 1-based): chr9:95,240,662, T>C on the plus strand (A>G on the coding strand, the complement: FANCC is on the minus strand). VCF-style: chr9-95240662-T-C. GRCh37 (hg19) VCF-style: chr9-98002944-T-C.
Other names: c.332A>G, p.Asn111Ser (NM_001243743.2, NM_001243744.2); short protein forms N111S.
Identifiers: ClinVar variation 1730284 (VCV001730284.2), dbSNP rs756057377, ClinGen allele CA5137778.

ClinVar aggregate classification (germline): Uncertain significance (1 of 4 stars; one submission).

Conditions:
Hereditary cancer-predisposing syndrome. Also called: Neoplastic Syndromes, Hereditary; Tumor predisposition; Hereditary Cancer Syndrome; Hereditary neoplastic syndrome. Identifiers: Orphanet 140162, MedGen C0027672, MeSH D009386, MONDO:0015356.

Allele frequency attached by ClinVar (database versions not stated): gnomAD exomes below 0.00001; ExAC 0.00001.
gnomAD v4.1: 1 of 1,608,178 alleles (0.000062%); highest among the groups gnomAD compares: South Asian, 0.0011%; no homozygotes.

Submission:

Ambry Genetics
Classification: Uncertain significance for Hereditary cancer-predisposing syndrome. Last evaluated: 2023-11-16. Review status: criteria provided, single submitter. Criteria: Ambry Variant Classification Scheme 2023. Collection method: clinical testing. Allele origin: germline.
Comment: The p.N111S variant (also known as c.332A>G), located in coding exon 3 of the FANCC gene, results from an A to G substitution at nucleotide position 332. The asparagine at codon 111 is replaced by serine, an amino acid with highly similar properties. This amino acid position is highly conserved in available vertebrate species. In addition, this alteration is predicted to be tolerated by in silico analysis. Since supporting evidence is limited at this time, the clinical significance of this alteration remains unclear.